The following is an entry in ClinVar:

ClinVar aggregate classification (germline): Conflicting classifications of pathogenicity. Review status: criteria provided, conflicting classifications (1 of 4 stars). 3 submissions from 3 submitters: Uncertain significance (1); Likely benign (2). Last evaluated 2025-05-05.

Allele frequency attached by ClinVar (database versions not stated): gnomAD 0.00001; gnomAD exomes 0.00001; ExAC 0.00002; TOPMed 0.00002.
gnomAD v4.1: 21 of 1,613,750 alleles (0.0013%); highest among the groups gnomAD compares: Middle Eastern, 0.016%; no homozygotes.

Submissions (3):

GeneDx
Classification: Uncertain significance. Last evaluated: 2025-05-05. Review status: criteria provided, single submitter. Criteria: GeneDx Variant Classification Process June 2021. Collection method: clinical testing. Allele origin: germline. Affected: yes.
Comment: Not observed at significant frequency in large population cohorts (gnomAD); In silico analysis suggests that this variant does not alter splicing; Has not been previously published as pathogenic or benign to our knowledge

Blueprint Genetics
Classification: Likely benign. Last evaluated: 2024-10-31. Review status: criteria provided, single submitter. Criteria: ACMG Guidelines, 2015. Collection method: clinical testing. Allele origin: germline.

Laboratory for Molecular Medicine, Mass General Brigham Personalized Medicine
Classification: Likely benign. Last evaluated: 2017-03-31. Review status: criteria provided, single submitter. Criteria: LMM Criteria. Collection method: clinical testing. Allele origin: germline. Observed: 1 variant allele.
Comment: p.Pro471Pro in exon 13 of RDX: This variant is not expected to have clinical sig nificance because it does not alter an amino acid residue and is not located wit hin the splice consensus sequence. It has been identified in 2/66710 European ch romosomes by the Exome Aggregation Consortium (ExAC. org; dbSNP rs751528863).

NM_002906.4(RDX):c.1413T>C (p.Pro471=)

Gene: RDX (radixin; minus strand). Cytogenetic location: 11q22.3.
Variant type: single nucleotide variant.
Coding change: c.1413T>C on transcript NM_002906.4 (MANE Select); coding-DNA position 1413, T replaced by C.
Protein change: p.Pro471=; no amino-acid change (proline 471 retained).
Molecular consequence: synonymous variant. On other transcripts: intron variant (1).
Genome position (GRCh38, 1-based): chr11:110,233,411, A>G on the plus strand (T>C on the coding strand, the complement: RDX is on the minus strand). VCF-style: chr11-110233411-A-G. GRCh37 (hg19) VCF-style: chr11-110104136-A-G.
Other names: c.1413T>C, p.Pro471= (NM_001260492.2, NM_001260493.2); c.1005T>C, p.Pro335= (NM_001260494.2); c.372T>C, p.Pro124= (NM_001260495.2); c.405-1407T>C (NM_001260496.2).
Identifiers: ClinVar variation 517301 (VCV000517301.7), dbSNP rs751528863, ClinGen allele CA6269977.